The following is an entry in ClinVar:

NM_003920.5(TIMELESS):c.189C>T (p.Ser63=)

Gene: TIMELESS (timeless circadian regulator; minus strand). Cytogenetic location: 12q13.3.
Variant type: single nucleotide variant.
Coding change: c.189C>T on transcript NM_003920.5 (MANE Select); coding-DNA position 189, C replaced by T.
Protein change: p.Ser63=; no amino-acid change (serine 63 retained).
Molecular consequence: synonymous variant. On other transcripts: non-coding transcript variant (1).
Genome position (GRCh38, 1-based): chr12:56,433,835, G>A on the plus strand (C>T on the coding strand, the complement: TIMELESS is on the minus strand). VCF-style: chr12-56433835-G-A. GRCh37 (hg19) VCF-style: chr12-56827619-G-A.
Other names: c.189C>T, p.Ser63= (NM_001330295.2).
Identifiers: ClinVar variation 2643096 (VCV002643096.24), dbSNP rs369162799, ClinGen allele CA6632415.

ClinVar aggregate classification (germline): Likely benign (1 of 4 stars; one submission).

Allele frequency attached by ClinVar (database versions not stated): TOPMed 0.00007; gnomAD 0.00010; ESP Exome Variant Server 0.00015.
gnomAD v4.1: 361 of 1,614,012 alleles (0.022%); highest among the groups gnomAD compares: Non-Finnish European, 0.029%; no homozygotes.

Submission:

CeGaT Center for Human Genetics Tuebingen
Classification: Likely benign. Last evaluated: 2023-03-01. Review status: criteria provided, single submitter. Criteria: CeGaT Center For Human Genetics Tuebingen Variant Classification Criteria Version 2. Collection method: clinical testing. Allele origin: germline. Affected: yes. Observed: 1 variant allele.
Comment: TIMELESS: BP4, BP7